The following is an entry in ClinVar:

NM_015450.3(POT1):c.1538A>G (p.Gln513Arg)

Gene: POT1 (protection of telomeres 1; minus strand). Cytogenetic location: 7q31.33.
Variant type: single nucleotide variant.
Coding change: c.1538A>G on transcript NM_015450.3 (MANE Select); coding-DNA position 1538, A replaced by G.
Protein change: p.Gln513Arg; replaces glutamine 513 with arginine.
Molecular consequence: missense variant. On other transcripts: non-coding transcript variant (2).
Genome position (GRCh38, 1-based): chr7:124,829,310, T>C on the plus strand (A>G on the coding strand, the complement: POT1 is on the minus strand). VCF-style: chr7-124829310-T-C. GRCh37 (hg19) VCF-style: chr7-124469364-T-C.
Other names: c.1145A>G, p.Gln382Arg (NM_001042594.2); short protein forms Q382R, Q513R.
Identifiers: ClinVar variation 4741154 (VCV004741154.1).

ClinVar aggregate classification (germline): Uncertain significance (1 of 4 stars; one submission).

Conditions:
Tumor predisposition syndrome 3 (TPDS3). Also called: Melanoma, cutaneous malignant, susceptibility to, 10; Glioma susceptibility 9; LONG TELOMERE SYNDROME, POT1-RELATED; POT1 Tumor Predisposition. Identifiers: Orphanet 618, MedGen C4014476, MONDO:0014368, OMIM 615848.

Submission:

Labcorp Genetics (formerly Invitae), Labcorp
Classification: Uncertain significance for Tumor predisposition syndrome 3. Last evaluated: 2025-10-27. Review status: criteria provided, single submitter. Criteria: Invitae Variant Classification Sherloc (09022015). Collection method: clinical testing. Allele origin: germline.
Comment: This sequence change replaces glutamine, which is neutral and polar, with arginine, which is basic and polar, at codon 513 of the POT1 protein (p.Gln513Arg). This variant is not present in population databases (gnomAD no frequency). This variant has not been reported in the literature in individuals affected with POT1-related conditions. Invitae Evidence Modeling of protein sequence and biophysical properties (such as structural, functional, and spatial information, amino acid conservation, physicochemical variation, residue mobility, and thermodynamic stability) indicates that this missense variant is not expected to disrupt POT1 protein function with a negative predictive value of 80%. In summary, the available evidence is currently insufficient to determine the role of this variant in disease. Therefore, it has been classified as a Variant of Uncertain Significance.